The following is an entry in ClinVar:

ClinVar aggregate classification (germline): Pathogenic. Review status: reviewed by expert panel (3 of 4 stars). 4 submissions from 4 submitters: Pathogenic (1). 3 of the submissions do not count toward it. Last evaluated 2017-12-15.

Conditions:
Hereditary cancer-predisposing syndrome. Also called: Hereditary neoplastic syndrome; Hereditary Cancer Syndrome; Neoplastic Syndromes, Hereditary; Tumor predisposition. Identifiers: Orphanet 140162, MedGen C0027672, MeSH D009386, MONDO:0015356.
Breast-ovarian cancer, familial, susceptibility to, 2 (BROVCA2). Also called: BRCA2 Hereditary Breast and Ovarian Cancer. Identifiers: Orphanet 145, MedGen C2675520, MONDO:0012933, OMIM 612555. Disease mechanism: loss of function.
Hereditary breast ovarian cancer syndrome. Also called: Hereditary breast and ovarian cancer syndrome; BRCA1- and BRCA2-Associated Hereditary Breast and Ovarian Cancer; Hereditary breast and/or ovarian cancer syndrome; Hereditary breast and ovarian cancer; Breast and ovarian cancer; Hereditary breast and ovarian cancer syndrome (HBOC). Identifiers: Orphanet 145, MedGen C0677776, MeSH D061325, MONDO:0003582. Disease mechanism: loss of function.

Submissions (4):

Evidence-based Network for the Interpretation of Germline Mutant Alleles (ENIGMA)
Classification: Pathogenic for Breast-ovarian cancer, familial, susceptibility to, 2. Last evaluated: 2017-12-15. Review status: reviewed by expert panel. Criteria: ENIGMA BRCA1/2 Classification Criteria (2017-06-29). Collection method: curation. Allele origin: germline. Study: ENIGMA.
Comment: Variant allele predicted to encode a truncated non-functional protein.

Labcorp Genetics (formerly Invitae), Labcorp
Classification: Pathogenic for Hereditary breast ovarian cancer syndrome. Last evaluated: 2024-03-24. Review status: criteria provided, single submitter. Criteria: Invitae Variant Classification Sherloc (09022015). Collection method: clinical testing. Allele origin: germline. Not counted in ClinVar's aggregate classification.
Comment: This sequence change creates a premature translational stop signal (p.Thr1011Lysfs*32) in the BRCA2 gene. It is expected to result in an absent or disrupted protein product. Loss-of-function variants in BRCA2 are known to be pathogenic (PMID: 20104584). This variant is not present in population databases (gnomAD no frequency). This premature translational stop signal has been observed in individual(s) with ovarian cancer (PMID: 30322717). ClinVar contains an entry for this variant (Variation ID: 420549). For these reasons, this variant has been classified as Pathogenic.

Ambry Genetics
Classification: Pathogenic for Hereditary cancer-predisposing syndrome. Last evaluated: 2021-12-16. Review status: criteria provided, single submitter. Criteria: Ambry Variant Classification Scheme 2023. Collection method: clinical testing. Allele origin: germline. Not counted in ClinVar's aggregate classification.
Comment: The c.3032delC pathogenic mutation, located in coding exon 10 of the BRCA2 gene, results from a deletion of one nucleotide at nucleotide position 3032, causing a translational frameshift with a predicted alternate stop codon (p.T1011Kfs*32). This variant was identified in a cohort of 4439 women with ovarian cancer undergoing multigene panel testing at one laboratory (Carter NJ et al. Gynecol Oncol, 2018 12;151:481-488). This variant is considered to be rare based on population cohorts in the Genome Aggregation Database (gnomAD). In addition to the clinical data presented in the literature, this alteration is expected to result in loss of function by premature protein truncation or nonsense-mediated mRNA decay. As such, this alteration is interpreted as a disease-causing mutation.

GeneDx
Classification: Pathogenic. Last evaluated: 2018-03-28. Review status: criteria provided, single submitter. Criteria: GeneDx Variant Classification (06012015). Collection method: clinical testing. Allele origin: germline. Affected: yes. Not counted in ClinVar's aggregate classification.
Comment: This deletion of one nucleotide in BRCA2 is denoted c.3032delC at the cDNA level and p.Thr1011LysfsX32 (T1011KfsX32) at the protein level. Using alternate nomenclature, this variant would be defined as BRCA2 c.3260delC. The normal sequence, with the base that is deleted in braces, is AGAA[C]AGCT. The deletion causes a frameshift which changes a Threonine to a Lysine at codon 1011, and creates a premature stop codon at position 32 of the new reading frame. Although this variant has not, to our knowledge, been reported in the literature, it is predicted to cause loss of normal protein function through either protein truncation or nonsense-mediated mRNA decay. We consider this variant to be pathogenic.

Literature cited by the submitters: PubMed 20104584 (cited by Labcorp Genetics (formerly Invitae), Labcorp); PubMed 30322717 (cited by Labcorp Genetics (formerly Invitae), Labcorp and Ambry Genetics).

NM_000059.4(BRCA2):c.3032del (p.Thr1011fs)

Gene: BRCA2 (BRCA2 DNA repair associated; plus strand). Cytogenetic location: 13q13.1.
Variant type: Deletion.
Coding change: c.3032del on transcript NM_000059.4 (MANE Select); coding-DNA position 3032, one base deleted (C; older notation c.3032delC).
Protein change: p.Thr1011fs; shifts the reading frame from threonine 1011.
Molecular consequence: frameshift variant.
Genome position (GRCh38, 1-based): chr13:32,337,387, C deleted. VCF-style (leftmost placement, unchanged base first): chr13-32337386-AC-A. GRCh37 (hg19) VCF-style: chr13-32911523-AC-A.
Other names: c.3032delC (NM_000059.3); short protein forms T1011fs.
Identifiers: ClinVar variation 420549 (VCV000420549.8), dbSNP rs1064794550, ClinGen allele CA16619680.